The following is an entry in ClinVar:

NM_000548.5(TSC2):c.1588A>G (p.Ile530Val)

Gene: TSC2 (TSC complex subunit 2; plus strand). Cytogenetic location: 16p13.3.
Variant type: single nucleotide variant.
Coding change: c.1588A>G on transcript NM_000548.5 (MANE Select); coding-DNA position 1588, A replaced by G.
Protein change: p.Ile530Val; replaces isoleucine 530 with valine.
Molecular consequence: missense variant.
Genome position (GRCh38, 1-based): chr16:2,064,416, A>G. VCF-style: chr16-2064416-A-G. GRCh37 (hg19) VCF-style: chr16-2114417-A-G.
Other names: c.1588A>G, p.Ile530Val (NM_001077183.3, NM_001114382.3, NM_001363528.2 and 3 more transcripts); c.1477A>G, p.Ile493Val (NM_001318827.2); c.1441A>G, p.Ile481Val (NM_001318829.2); c.988A>G, p.Ile330Val (NM_001318831.2); c.1621A>G, p.Ile541Val (NM_001318832.2); short protein forms I530V, I493V, I330V, I541V, I481V.
Identifiers: ClinVar variation 187099 (VCV000187099.17), dbSNP rs786203470, ClinGen allele CA015168.

ClinVar aggregate classification (germline): Conflicting classifications of pathogenicity. Review status: criteria provided, conflicting classifications (1 of 4 stars). 5 submissions from 5 submitters: Uncertain significance (3); Benign (1); Likely benign (1). Last evaluated 2025-10-26.

Conditions:
Hereditary cancer-predisposing syndrome. Also called: Hereditary Cancer Syndrome; Neoplastic Syndromes, Hereditary; Tumor predisposition; Hereditary neoplastic syndrome. Identifiers: Orphanet 140162, MedGen C0027672, MeSH D009386, MONDO:0015356.
Tuberous sclerosis syndrome (TSC). Also called: Tuberous Sclerosis Complex; Tuberous sclerosis. Identifiers: Orphanet 805, MedGen C0041341, MONDO:0001734.
Tuberous sclerosis 2 (TSC2). Identifiers: Orphanet 805, MedGen C1860707, MONDO:0013199, OMIM 613254.

Allele frequency attached by ClinVar (database versions not stated): gnomAD exomes below 0.00001 and 0.00001; gnomAD 0.00001.
gnomAD v4.1: 8 of 1,613,464 alleles (0.0005%); highest among the groups gnomAD compares: Non-Finnish European, 0.00068%; no homozygotes.

Submissions (5):

Labcorp Genetics (formerly Invitae), Labcorp
Classification: Benign for Tuberous sclerosis 2. Last evaluated: 2025-10-26. Review status: criteria provided, single submitter. Criteria: Invitae Variant Classification Sherloc (09022015). Collection method: clinical testing. Allele origin: germline.

All of Us Research Program, National Institutes of Health
Classification: Uncertain significance for Tuberous sclerosis syndrome. Last evaluated: 2023-11-20. Review status: criteria provided, single submitter. Criteria: ACMG Guidelines, 2015. Collection method: clinical testing. Allele origin: germline. Inheritance: Autosomal dominant inheritance. Observed: 1 variant allele, 1 heterozygote.
Comment: This missense variant replaces isoleucine with valine at codon 530 of the TSC2 protein. Computational prediction suggests that this variant may not impact protein structure and function (internally defined REVEL score threshold <= 0.5, PMID: 27666373). To our knowledge, functional studies have not been reported for this variant. This variant has not been reported in individuals affected with TSC2-related disorders in the literature. This variant has been identified in 2/282494 chromosomes in the general population by the Genome Aggregation Database (gnomAD). The available evidence is insufficient to determine the role of this variant in disease conclusively. Therefore, this variant is classified as a Variant of Uncertain Significance.

This study involves interpretation of variants in research participants for the purpose of population health screening. Participant phenotype was not available at the time of variant classification. Additional details can be found in publication PMID: 35346344, PMCID: PMC8962531

Color Diagnostics, LLC DBA Color Health
Classification: Uncertain significance for Tuberous sclerosis syndrome. Last evaluated: 2023-11-01. Review status: criteria provided, single submitter. Criteria: ACMG Guidelines, 2015. Collection method: clinical testing. Allele origin: germline.
Comment: This missense variant replaces isoleucine with valine at codon 530 of the TSC2 protein. Computational prediction suggests that this variant may not impact protein structure and function. To our knowledge, functional studies have not been reported for this variant. This variant has not been reported in individuals affected with TSC2-related disorders in the literature. This variant has been identified in 2/282494 chromosomes in the general population by the Genome Aggregation Database (gnomAD). The available evidence is insufficient to determine the role of this variant in disease conclusively. Therefore, this variant is classified as a Variant of Uncertain Significance.

Ambry Genetics
Classification: Likely benign for Hereditary cancer-predisposing syndrome. Last evaluated: 2023-03-31. Review status: criteria provided, single submitter. Criteria: Ambry Variant Classification Scheme 2023. Collection method: clinical testing. Allele origin: germline.

Genome-Nilou Lab
Classification: Uncertain significance for Tuberous sclerosis 2. Last evaluated: 2021-11-07. Review status: criteria provided, single submitter. Criteria: ACMG Guidelines, 2015. Collection method: clinical testing. Allele origin: germline. Affected: no.